The following is an entry in ClinVar:

NM_025132.4(WDR19):c.2057T>C (p.Leu686Pro)

Gene: WDR19 (WD repeat domain 19; plus strand). Cytogenetic location: 4p14.
Variant type: single nucleotide variant.
Coding change: c.2057T>C on transcript NM_025132.4 (MANE Select); coding-DNA position 2057, T replaced by C.
Protein change: p.Leu686Pro; replaces leucine 686 with proline.
Molecular consequence: missense variant.
Genome position (GRCh38, 1-based): chr4:39,231,871, T>C. VCF-style: chr4-39231871-T-C. GRCh37 (hg19) VCF-style: chr4-39233491-T-C.
Other names: c.1577T>C, p.Leu526Pro (NM_001317924.2); short protein forms L526P, L686P.
Identifiers: ClinVar variation 1984107 (VCV001984107.4), dbSNP rs768218455, ClinGen allele CA2892000.

ClinVar aggregate classification (germline): Uncertain significance (1 of 4 stars; one submission).

Conditions:
Asphyxiating thoracic dystrophy 5 (SRTD5). Also called: SHORT-RIB THORACIC DYSPLASIA 5 WITH OR WITHOUT POLYDACTYLY; SHORT-RIB THORACIC DYSPLASIA 5 WITHOUT POLYDACTYLY. Identifiers: Orphanet 474, MedGen C3280598, MONDO:0013717, OMIM 614376.
Senior-Loken syndrome 8 (SLSN8). Identifiers: Orphanet 3156, MedGen C4225376, MONDO:0014579, OMIM 616307.

Allele frequency attached by ClinVar (database versions not stated): TOPMed below 0.00001; ExAC 0.00001; gnomAD 0.00001.
gnomAD v4.1: 1 of 1,613,148 alleles (0.000062%); highest among the groups gnomAD compares: African/African-American, 0.0013%; no homozygotes.

Submission:

Labcorp Genetics (formerly Invitae), Labcorp
Classification: Uncertain significance for Senior-Loken syndrome 8; Asphyxiating thoracic dystrophy 5. Last evaluated: 2022-11-01. Review status: criteria provided, single submitter. Criteria: Invitae Variant Classification Sherloc (09022015). Collection method: clinical testing. Allele origin: germline.
Comment: In summary, the available evidence is currently insufficient to determine the role of this variant in disease. Therefore, it has been classified as a Variant of Uncertain Significance. Advanced modeling of protein sequence and biophysical properties (such as structural, functional, and spatial information, amino acid conservation, physicochemical variation, residue mobility, and thermodynamic stability) performed at Invitae indicates that this missense variant is expected to disrupt WDR19 protein function. This variant has not been reported in the literature in individuals affected with WDR19-related conditions. This variant is present in population databases (rs768218455, gnomAD 0.007%). This sequence change replaces leucine, which is neutral and non-polar, with proline, which is neutral and non-polar, at codon 686 of the WDR19 protein (p.Leu686Pro).